The following is an entry in ClinVar:

NM_058216.3(RAD51C):c.592G>T (p.Asp198Tyr)

Gene: RAD51C (RAD51 paralog C; plus strand). Cytogenetic location: 17q22.
Variant type: single nucleotide variant.
Coding change: c.592G>T on transcript NM_058216.3 (MANE Select); coding-DNA position 592, G replaced by T.
Protein change: p.Asp198Tyr; replaces aspartic acid 198 with tyrosine.
Molecular consequence: missense variant. On other transcripts: non-coding transcript variant (1).
Genome position (GRCh38, 1-based): chr17:58,703,216, G>T. VCF-style: chr17-58703216-G-T. GRCh37 (hg19) VCF-style: chr17-56780577-G-T.
Other names: short protein forms D198Y.
Identifiers: ClinVar variation 1364704 (VCV001364704.10), dbSNP rs2143797075, ClinGen allele CA400349167.

ClinVar aggregate classification (germline): Uncertain significance. Review status: criteria provided, multiple submitters, no conflicts (2 of 4 stars). 2 submissions from 2 submitters: Uncertain significance (2). Last evaluated 2025-05-01.

Conditions:
Fanconi anemia complementation group O. Also called: RAD51C-Related Fanconi Anemia. Identifiers: Orphanet 84, MedGen C3150653, MONDO:0013248, OMIM 613390.

Submissions (2):

Dasa
Classification: Uncertain significance. Last evaluated: 2025-05-01. Review status: criteria provided, single submitter. Criteria: DASA Assertion Criteria. Collection method: clinical testing. Allele origin: germline.
Comment: NM_058216.3(RAD51C):c.592G>T (p.Asp198Tyr) is a missense variant that results in the substitution of aspartic acid with tyrosine. This variant is rare in population databases. Computational prediction algorithms are consistent with a benign effect. The currently available literature and clinical evidence are not sufficient to establish a definitive association between this variant and the reported condition. Therefore, this variant is classified as a variant of uncertain significance.

Labcorp Genetics (formerly Invitae), Labcorp
Classification: Uncertain significance for Fanconi anemia complementation group O. Last evaluated: 2021-01-14. Review status: criteria provided, single submitter. Criteria: Invitae Variant Classification Sherloc (09022015). Collection method: clinical testing. Allele origin: germline.
Comment: This sequence change replaces aspartic acid with tyrosine at codon 198 of the RAD51C protein (p.Asp198Tyr). The aspartic acid residue is weakly conserved and there is a large physicochemical difference between aspartic acid and tyrosine. This variant is not present in population databases (ExAC no frequency). This variant has not been reported in the literature in individuals with RAD51C-related conditions. Algorithms developed to predict the effect of missense changes on protein structure and function are either unavailable or do not agree on the potential impact of this missense change (SIFT: "Deleterious"; PolyPhen-2: "Benign"; Align-GVGD: "Class C0"). In summary, the available evidence is currently insufficient to determine the role of this variant in disease. Therefore, it has been classified as a Variant of Uncertain Significance.